The following is an entry in ClinVar:

NM_001458.5(FLNC):c.5231C>T (p.Pro1744Leu)

Gene: FLNC (filamin C; plus strand). Cytogenetic location: 7q32.1.
Variant type: single nucleotide variant.
Coding change: c.5231C>T on transcript NM_001458.5 (MANE Select); coding-DNA position 5231, C replaced by T.
Protein change: p.Pro1744Leu; replaces proline 1744 with leucine.
Molecular consequence: missense variant. On other transcripts: intron variant (1).
Genome position (GRCh38, 1-based): chr7:128,850,007, C>T. VCF-style: chr7-128850007-C-T. GRCh37 (hg19) VCF-style: chr7-128490061-C-T.
Other names: c.5200-377C>T (NM_001127487.2); short protein forms P1744L.
Identifiers: ClinVar variation 1953235 (VCV001953235.5), dbSNP rs1808737157, ClinGen allele CA369204573.
Genomic context (GRCh38, chr7:128,850,007, plus strand): 5'-CCCTGTGCCCCCGTGCCTTGCCTCCCCAGGCGTGTGACCCCCTGCCGCACGAGGAGGAGC[C>T]CTCTGAAGTGCCACAGCTGCGCCAGCCCTACGCTCCTCCCCGGCCCGGCGCCCGCCCCAC-3'
Protein context (NP_001449.3, residues 1734-1754): ACDPLPHEEE[Pro1744Leu]SEVPQLRQPY

ClinVar aggregate classification (germline): Uncertain significance (1 of 4 stars; one submission).

Conditions:
Myofibrillar myopathy 5. Also called: FILAMINOPATHY, AUTOSOMAL DOMINANT; Filaminopathy (type). Identifiers: Orphanet 171445, MedGen C1836050, MONDO:0012289, OMIM 609524.
Hypertrophic cardiomyopathy 26. Also called: Cardiomyopathy, familial hypertrophic, 26. Identifiers: Orphanet 75249, MedGen C4310749, MONDO:0014883, OMIM 617047.
Distal myopathy with posterior leg and anterior hand involvement. Also called: WILLIAMS DISTAL MYOPATHY. Identifiers: Orphanet 63273, MedGen C3279722, MONDO:0013550, OMIM 614065.

Allele frequency attached by ClinVar (database versions not stated): gnomAD exomes below 0.00001; TOPMed below 0.00001.
gnomAD v4.1: 1 of 1,580,522 alleles (0.000063%); highest among the groups gnomAD compares: Non-Finnish European, 0.000086%; no homozygotes.

Submission:

Labcorp Genetics (formerly Invitae), Labcorp
Classification: Uncertain significance for Distal myopathy with posterior leg and anterior hand involvement; Myofibrillar myopathy 5; Hypertrophic cardiomyopathy 26. Last evaluated: 2022-09-13. Review status: criteria provided, single submitter. Criteria: Invitae Variant Classification Sherloc (09022015). Collection method: clinical testing. Allele origin: germline.
Comment: This sequence change replaces proline, which is neutral and non-polar, with leucine, which is neutral and non-polar, at codon 1744 of the FLNC protein (p.Pro1744Leu). This variant is not present in population databases (gnomAD no frequency). This variant has not been reported in the literature in individuals affected with FLNC-related conditions. Algorithms developed to predict the effect of missense changes on protein structure and function (SIFT, PolyPhen-2, Align-GVGD) all suggest that this variant is likely to be tolerated. In summary, the available evidence is currently insufficient to determine the role of this variant in disease. Therefore, it has been classified as a Variant of Uncertain Significance.